The following is an entry in ClinVar:

ClinVar aggregate classification (germline): Pathogenic (1 of 4 stars; one submission).

Conditions:
Charcot-Marie-Tooth disease type 2. Also called: Charcot-Marie-Tooth type 2. Identifiers: Orphanet 64746, MedGen C0270914, MONDO:0018993.

Allele frequency attached by ClinVar (database versions not stated): gnomAD exomes below 0.00001.

Submission:

Labcorp Genetics (formerly Invitae), Labcorp
Classification: Pathogenic for Charcot-Marie-Tooth disease type 2. Last evaluated: 2025-03-10. Review status: criteria provided, single submitter. Criteria: Invitae Variant Classification Sherloc (09022015). Collection method: clinical testing. Allele origin: germline.
Comment: This sequence change creates a premature translational stop signal (p.Glu444*) in the AARS gene. It is expected to result in an absent or disrupted protein product. Loss-of-function variants in AARS are known to be pathogenic (PMID: 25817015, 28493438, 34446925). This variant is present in population databases (no rsID available, gnomAD 0.003%). This variant has not been reported in the literature in individuals affected with AARS-related conditions. ClinVar contains an entry for this variant (Variation ID: 2043074). For these reasons, this variant has been classified as Pathogenic.

Literature cited by the submitters: PubMed 25817015; PubMed 28493438; PubMed 34446925.

NM_001605.3(AARS1):c.1330G>T (p.Glu444Ter)

Gene: AARS1 (alanyl-tRNA synthetase 1; minus strand). Cytogenetic location: 16q22.1.
Variant type: single nucleotide variant.
Coding change: c.1330G>T on transcript NM_001605.3 (MANE Select); coding-DNA position 1330, G replaced by T.
Protein change: p.Glu444Ter; replaces glutamic acid 444 with a stop codon.
Molecular consequence: nonsense.
Genome position (GRCh38, 1-based): chr16:70,265,555, C>A on the plus strand (G>T on the coding strand, the complement: AARS1 is on the minus strand). VCF-style: chr16-70265555-C-A. GRCh37 (hg19) VCF-style: chr16-70299458-C-A.
Other names: short protein forms E444*.
Identifiers: ClinVar variation 2043074 (VCV002043074.4), dbSNP rs1292379905, ClinGen allele CA396561816.